The following is an entry in ClinVar:

NM_001077418.3(TMEM231):c.308C>A (p.Ser103Ter)

Gene: TMEM231 (transmembrane protein 231; minus strand). Cytogenetic location: 16q23.1.
Variant type: single nucleotide variant.
Coding change: c.308C>A on transcript NM_001077418.3 (MANE Select); coding-DNA position 308, C replaced by A.
Protein change: p.Ser103Ter; replaces serine 103 with a stop codon.
Molecular consequence: nonsense. On other transcripts: non-coding transcript variant (1).
Genome position (GRCh38, 1-based): chr16:75,555,805, G>T on the plus strand (C>A on the coding strand, the complement: TMEM231 is on the minus strand). VCF-style: chr16-75555805-G-T. GRCh37 (hg19) VCF-style: chr16-75589703-G-T.
Other names: c.467C>A, p.Ser156Ter (NM_001077416.2); short protein forms S156*, S103*.
Identifiers: ClinVar variation 4790110 (VCV004790110.1).

ClinVar aggregate classification (germline): Pathogenic (1 of 4 stars; one submission).

Conditions:
Meckel syndrome, type 11 (MKS11). Identifiers: Orphanet 564, MedGen C3809352, MONDO:0014164, OMIM 615397.
Joubert syndrome 20 (JBTS20). Identifiers: Orphanet 475, MedGen C3554235, MONDO:0013994, OMIM 614970.

Submission:

Labcorp Genetics (formerly Invitae), Labcorp
Classification: Pathogenic for Joubert syndrome 20; Meckel syndrome, type 11. Last evaluated: 2025-10-09. Review status: criteria provided, single submitter. Criteria: Invitae Variant Classification Sherloc (09022015). Collection method: clinical testing. Allele origin: germline.
Comment: This sequence change creates a premature translational stop signal (p.Ser156*) in the TMEM231 gene. It is expected to result in an absent or disrupted protein product. Loss-of-function variants in TMEM231 are known to be pathogenic (PMID: 23012439, 23349226). This variant is not present in population databases (gnomAD no frequency). This variant has not been reported in the literature in individuals affected with TMEM231-related conditions. For these reasons, this variant has been classified as Pathogenic.

Literature cited by the submitters: PubMed 23012439; PubMed 23349226.